The following is an entry in ClinVar:

ClinVar aggregate classification (germline): Likely benign (0 of 4 stars; one submission).

Conditions:
FBXW7-related disorder. Also called: FBXW7-related disorders; FBXW7-related condition.

Submission:

PreventionGenetics, part of Exact Sciences
Classification: Likely benign for FBXW7-related condition. Last evaluated: 2019-11-26. Review status: no assertion criteria provided. Collection method: clinical testing. Allele origin: germline.
Comment: This variant is classified as likely benign based on ACMG/AMP sequence variant interpretation guidelines (Richards et al. 2015 PMID: 25741868, with internal and published modifications).

NM_001349798.2(FBXW7):c.585-6_585-5dup

Gene: FBXW7 (F-box and WD repeat domain containing 7; minus strand). Cytogenetic location: 4q31.3.
Variant type: Duplication.
Coding change: c.585-6_585-5dup on transcript NM_001349798.2 (MANE Select); 6 bases into the intron before coding-DNA position 585 through 5 bases into the intron before coding-DNA position 585, 2 bases duplicated (TT; older notation c.585-6_585-5dupTT).
Molecular consequence: intron variant.
Genome position (GRCh38, 1-based): chr4:152,347,076-152,347,077, AA duplicated on the plus strand (TT on the coding strand, the reverse complement: FBXW7 is on the minus strand); duplicating any 2 consecutive bases within chr4:152,347,076-152,347,089 gives the same sequence; the c. name uses the placement nearest the transcript's 3' end. VCF-style (leftmost placement, unchanged base first): chr4-152347075-C-CAA. GRCh37 (hg19) VCF-style: chr4-153268227-C-CAA.
Other names: c.231-6_231-5dup (NM_001013415.2); c.345-6_345-5dup (NM_018315.5); c.585-6_585-5dup (NM_033632.3); c.585-6_585-5dupTT (NM_033632.3).
Identifiers: ClinVar variation 3048590 (VCV003048590.2), dbSNP rs745908066, ClinGen allele CA3106351.